The following is an entry in ClinVar:

ClinVar aggregate classification (germline): Uncertain significance. Review status: criteria provided, multiple submitters, no conflicts (2 of 4 stars). 3 submissions from 3 submitters: Uncertain significance (3). Last evaluated 2025-09-23.

Conditions:
Bethlem myopathy 1A. Also called: Bethlem myopathy 1; MYOPATHY, BENIGN CONGENITAL, WITH CONTRACTURES; Bethlem Muscular Dystrophy. Identifiers: Orphanet 610, MedGen CN029274, MONDO:0024530, OMIM 158810.

Allele frequency attached by ClinVar (database versions not stated): gnomAD 0.00003; gnomAD exomes 0.00002 and 0.00003; TOPMed 0.00002; ESP Exome Variant Server 0.00008; ExAC 0.00005.

Submissions (3):

Labcorp Genetics (formerly Invitae), Labcorp
Classification: Uncertain significance for Bethlem myopathy 1A. Last evaluated: 2025-09-23. Review status: criteria provided, single submitter. Criteria: Invitae Variant Classification Sherloc (09022015). Collection method: clinical testing. Allele origin: germline.
Comment: This sequence change replaces arginine, which is basic and polar, with tryptophan, which is neutral and slightly polar, at codon 843 of the COL6A2 protein (p.Arg843Trp). This variant is present in population databases (rs376880198, gnomAD 0.01%). This missense change has been observed in individual(s) with limb-girdle muscular dystrophy and Bethlem myopathy (PMID: 19949035, 30564623). ClinVar contains an entry for this variant (Variation ID: 242692). Invitae Evidence Modeling of protein sequence and biophysical properties (such as structural, functional, and spatial information, amino acid conservation, physicochemical variation, residue mobility, and thermodynamic stability) indicates that this missense variant is expected to disrupt COL6A2 protein function with a positive predictive value of 80%. This variant disrupts the p.Arg843 amino acid residue in COL6A2. Other variant(s) that disrupt this residue have been observed in individuals with COL6A2-related conditions (PMID: 24271325), which suggests that this may be a clinically significant amino acid residue. In summary, the available evidence is currently insufficient to determine the role of this variant in disease. Therefore, it has been classified as a Variant of Uncertain Significance.

Revvity Omics, Revvity
Classification: Uncertain significance. Last evaluated: 2019-08-25. Review status: criteria provided, single submitter. Criteria: ACMG Guidelines, 2015. Collection method: clinical testing. Allele origin: germline.

Eurofins Ntd Llc (ga)
Classification: Uncertain significance. Last evaluated: 2016-12-19. Review status: criteria provided, single submitter. Criteria: EGL Classification Definitions 2015. Collection method: clinical testing. Allele origin: germline. Observed: 2 variant alleles, 2 heterozygotes.

Literature cited by the submitters: PubMed 19949035 (cited by Labcorp Genetics (formerly Invitae), Labcorp); PubMed 30564623 (cited by Labcorp Genetics (formerly Invitae), Labcorp); PubMed 24271325 (cited by Labcorp Genetics (formerly Invitae), Labcorp).

NM_001849.4(COL6A2):c.2527C>T (p.Arg843Trp)

Gene: COL6A2 (collagen type VI alpha 2 chain; plus strand). Cytogenetic location: 21q22.3.
Variant type: single nucleotide variant.
Coding change: c.2527C>T on transcript NM_001849.4 (MANE Select); coding-DNA position 2527, C replaced by T.
Protein change: p.Arg843Trp; replaces arginine 843 with tryptophan.
Molecular consequence: missense variant.
Genome position (GRCh38, 1-based): chr21:46,132,019, C>T. VCF-style: chr21-46132019-C-T. GRCh37 (hg19) VCF-style: chr21-47551933-C-T.
Other names: R843W.
Identifiers: ClinVar variation 242692 (VCV000242692.17), dbSNP rs376880198, ClinGen allele CA042716.